The following is an entry in ClinVar:

ClinVar aggregate classification (germline): Conflicting classifications of pathogenicity. Review status: criteria provided, conflicting classifications (1 of 4 stars). 5 submissions from 5 submitters: Uncertain significance (2); Likely benign (3). Last evaluated 2026-06-05.

Conditions:
FLNC-related disorder. Also called: FLNC-related condition; FLNC-related disorders.
Hypertrophic cardiomyopathy 26. Also called: Cardiomyopathy, familial hypertrophic, 26. Identifiers: Orphanet 75249, MedGen C4310749, MONDO:0014883, OMIM 617047.
Distal myopathy with posterior leg and anterior hand involvement. Also called: WILLIAMS DISTAL MYOPATHY. Identifiers: Orphanet 63273, MedGen C3279722, MONDO:0013550, OMIM 614065.
Myofibrillar myopathy 5. Also called: Filaminopathy (type); FILAMINOPATHY, AUTOSOMAL DOMINANT. Identifiers: Orphanet 171445, MedGen C1836050, MONDO:0012289, OMIM 609524.
Cardiovascular phenotype. Identifiers: MedGen CN230736.

Allele frequency attached by ClinVar (database versions not stated): gnomAD 0.00001; ExAC 0.00003; gnomAD exomes 0.00003 and 0.00004; TOPMed 0.00005.
gnomAD v4.1: 49 of 1,612,188 alleles (0.003%); highest among the groups gnomAD compares: Non-Finnish European, 0.00068%; no homozygotes.

Submissions (5):

PreventionGenetics, part of Exact Sciences
Classification: Uncertain significance for FLNC-related condition. Last evaluated: 2026-06-05. Review status: criteria provided, single submitter. Criteria: ACMG Guidelines, 2015. Collection method: clinical testing. Allele origin: germline.
Comment: The FLNC c.8080G>A variant is predicted to result in the amino acid substitution p.Val2694Ile. To our knowledge, this variant has not been reported in the literature. This variant is reported in 0.099% of alleles in individuals of Ashkenazi Jewish descent in gnomAD. Although we suspect that this variant may be benign, at this time, the clinical significance of this variant is uncertain due to the absence of conclusive functional and genetic evidence.

Labcorp Genetics (formerly Invitae), Labcorp
Classification: Likely benign for Distal myopathy with posterior leg and anterior hand involvement; Myofibrillar myopathy 5; Hypertrophic cardiomyopathy 26. Last evaluated: 2025-12-08. Review status: criteria provided, single submitter. Criteria: Invitae Variant Classification Sherloc (09022015). Collection method: clinical testing. Allele origin: germline.

Revvity Omics, Revvity
Classification: Uncertain significance. Last evaluated: 2025-04-16. Review status: criteria provided, single submitter. Criteria: ACMG Guidelines, 2015. Collection method: clinical testing. Allele origin: germline.

Molecular Diagnostic Laboratory for Inherited Cardiovascular Disease, Montreal Heart Institute
Classification: Likely benign. Last evaluated: 2025-04-09. Review status: criteria provided, single submitter. Criteria: ACMG Guidelines, 2015. Collection method: clinical testing. Allele origin: germline. Affected: no.
Comment: BS1

Ambry Genetics
Classification: Likely benign for Cardiovascular phenotype. Last evaluated: 2020-03-25. Review status: criteria provided, single submitter. Criteria: Ambry Variant Classification Scheme 2023. Collection method: clinical testing. Allele origin: germline.

NM_001458.5(FLNC):c.8080G>A (p.Val2694Ile)

Genes: FLNC (filamin C; plus strand), FLNC-AS1 (FLNC antisense RNA 1; minus strand). Cytogenetic location: 7q32.1.
Variant type: single nucleotide variant.
Coding change: c.8080G>A on transcript NM_001458.5 (MANE Select); coding-DNA position 8080, G replaced by A.
Protein change: p.Val2694Ile; replaces valine 2694 with isoleucine.
Molecular consequence: missense variant.
Genome position (GRCh38, 1-based): chr7:128,858,425, G>A. VCF-style: chr7-128858425-G-A. GRCh37 (hg19) VCF-style: chr7-128498479-G-A.
Other names: c.7981G>A, p.Val2661Ile (NM_001127487.2); short protein forms V2694I, V2661I.
Identifiers: ClinVar variation 752113 (VCV000752113.17), dbSNP rs765388755, ClinGen allele CA4476424.